The following is an entry in ClinVar:

ClinVar aggregate classification (germline): Uncertain significance. Review status: criteria provided, multiple submitters, no conflicts (2 of 4 stars). 3 submissions from 3 submitters: Uncertain significance (3). Last evaluated 2024-12-13.

Conditions:
Familial hemophagocytic lymphohistiocytosis 2 (FHL2). Also called: PRF1-Related Familial Hemophagocytic Lymphohistiocytosis (PRF1-fHLH). Identifiers: Orphanet 540, MedGen C1863727, MONDO:0011337, OMIM 603553.

Allele frequency attached by ClinVar (database versions not stated): gnomAD 0.00001; gnomAD exomes 0.00001 and 0.00003; TOPMed 0.00002.
gnomAD v4.1: 10 of 1,614,070 alleles (0.00062%); highest among the groups gnomAD compares: Admixed American, 0.01%; no homozygotes.

Submissions (3):

Labcorp Genetics (formerly Invitae), Labcorp
Classification: Uncertain significance for Familial hemophagocytic lymphohistiocytosis 2. Last evaluated: 2024-12-13. Review status: criteria provided, single submitter. Criteria: Invitae Variant Classification Sherloc (09022015). Collection method: clinical testing. Allele origin: germline.
Comment: This sequence change replaces threonine, which is neutral and polar, with asparagine, which is neutral and polar, at codon 171 of the PRF1 protein (p.Thr171Asn). This variant is present in population databases (no rsID available, gnomAD 0.01%). This missense change has been observed in individual(s) with familial hemophagocytic lymphohistiocytosis (PMID: 26450956). ClinVar contains an entry for this variant (Variation ID: 835266). Invitae Evidence Modeling of protein sequence and biophysical properties (such as structural, functional, and spatial information, amino acid conservation, physicochemical variation, residue mobility, and thermodynamic stability) has been performed for this missense variant. However, the output from this modeling did not meet the statistical confidence thresholds required to predict the impact of this variant on PRF1 protein function. In summary, the available evidence is currently insufficient to determine the role of this variant in disease. Therefore, it has been classified as a Variant of Uncertain Significance.

Women's Health and Genetics/Laboratory Corporation of America, LabCorp
Classification: Uncertain significance. Last evaluated: 2023-08-03. Review status: criteria provided, single submitter. Criteria: LabCorp Variant Classification Summary - May 2015. Collection method: clinical testing. Allele origin: germline.
Comment: Variant summary: PRF1 c.512C>A (p.Thr171Asn) results in a non-conservative amino acid change located in the membrane attack complex component/perforin (MACPF) domain (IPR020864) of the encoded protein sequence. Four of five in-silico tools predict a benign effect of the variant on protein function. The variant allele was found at a frequency of 2.8e-05 in 251320 control chromosomes (gnomAD). c.512C>A has been reported in the literature in the heterozygous state in an individual affected with Familial Hemophagocytic Lymphohistiocytosis (Abdalgani_2015, Gadoury-Levesque_2020). These data indicate that the variant may be associated with disease. To our knowledge, no experimental evidence demonstrating an impact on protein function has been reported. The following publications have been ascertained in the context of this evaluation (PMID: 26450956, 32542393). Two submitters have cited clinical-significance assessments for this variant to ClinVar after 2014. All submitters classified the variant as uncertain significance. Based on the evidence outlined above, the variant was classified as VUS-possibly pathogenic.

GeneDx
Classification: Uncertain significance. Last evaluated: 2023-02-21. Review status: criteria provided, single submitter. Criteria: GeneDx Variant Classification Process June 2021. Collection method: clinical testing. Allele origin: germline. Affected: yes.
Comment: In silico analysis supports that this missense variant does not alter protein structure/function; This variant is associated with the following publications: (PMID: 34938098, 26450956, 32542393)

Literature cited by the submitters: PubMed 26450956 (cited by Labcorp Genetics (formerly Invitae), Labcorp and Women's Health and Genetics/Laboratory Corporation of America, LabCorp); PubMed 32542393 (cited by Women's Health and Genetics/Laboratory Corporation of America, LabCorp).

NM_001083116.3(PRF1):c.512C>A (p.Thr171Asn)

Gene: PRF1 (perforin 1; minus strand). Cytogenetic location: 10q22.1.
Variant type: single nucleotide variant.
Coding change: c.512C>A on transcript NM_001083116.3 (MANE Select); coding-DNA position 512, C replaced by A.
Protein change: p.Thr171Asn; replaces threonine 171 with asparagine.
Molecular consequence: missense variant.
Genome position (GRCh38, 1-based): chr10:70,600,391, G>T on the plus strand (C>A on the coding strand, the complement: PRF1 is on the minus strand). VCF-style: chr10-70600391-G-T. GRCh37 (hg19) VCF-style: chr10-72360147-G-T.
Other names: c.512C>A, p.Thr171Asn (NM_005041.6); short protein forms T171N.
Identifiers: ClinVar variation 835266 (VCV000835266.9), dbSNP rs1455960914, ClinGen allele CA376959259.
Genomic context (GRCh38, chr10:70,600,391, plus strand): 5'-TTCCAGCCCCCCACCCCTAGCCCCAGCTCTCACCTGTAGAAGCGGCACTCCACCGTGTCA[G>T]TGCTGAAGCTGTACTGGTCCTGGTGGGTCTTCTGGGCTGCAAAGTTGGCTGCCTGTGAGT-3'
Protein context (NP_001076585.1, residues 161-181): KTHQDQYSFS[Thr171Asn]DTVECRFYSF